The following is an entry in ClinVar:

ClinVar aggregate classification (germline): Uncertain significance (1 of 4 stars; one submission).

Conditions:
Interstitial lung disease 1. Identifiers: MedGen C5562021, MONDO:0030608, OMIM 619611.

gnomAD v4.1: 1 of 1,614,084 alleles (0.000062%); highest among the groups gnomAD compares: Non-Finnish European, 0.000085%; no homozygotes.

Submission:

3billion
Classification: Uncertain significance for Interstitial lung disease 1. Last evaluated: 2024-11-04. Review status: criteria provided, single submitter. Criteria: ACMG Guidelines, 2015. Collection method: clinical testing. Allele origin: germline. Affected: yes.
Comment: The variant is observed at an extremely low frequency in the gnomAD v4.1.0 dataset (total allele frequency: <0.001%). Predicted Consequence/Location: Missense variant. Missense changes are a common disease-causing mechanism. In silico tool predictions suggest damaging effect of the variant on gene or gene product [REVEL: 0.69 (>=0.6, sensitivity 0.68 and specificity 0.92); 3Cnet: 0.59 (>=0.6, sensitivity 0.72 and precision 0.9)]. Therefore, this variant is classified as VUS according to the recommendation of ACMG/AMP guideline.

NM_005411.5(SFTPA1):c.368G>T (p.Gly123Val)

Gene: SFTPA1 (surfactant protein A1; plus strand). Cytogenetic location: 10q22.3.
Variant type: single nucleotide variant.
Coding change: c.368G>T on transcript NM_005411.5 (MANE Select); coding-DNA position 368, G replaced by T.
Protein change: p.Gly123Val; replaces glycine 123 with valine.
Molecular consequence: missense variant.
Genome position (GRCh38, 1-based): chr10:79,613,264, G>T. VCF-style: chr10-79613264-G-T. GRCh37 (hg19) VCF-style: chr10-81373020-G-T.
Other names: c.413G>T, p.Gly138Val (NM_001093770.3); c.368G>T, p.Gly123Val (NM_001164644.2, NM_001164647.1); c.266G>T, p.Gly89Val (NM_001164645.2); c.221G>T, p.Gly74Val (NM_001164646.2); short protein forms G123V, G138V, G74V, G89V.
Identifiers: ClinVar variation 4292904 (VCV004292904.1).